The following is an entry in ClinVar:

ClinVar aggregate classification (germline): Uncertain significance (1 of 4 stars; one submission).

Conditions:
Neuroblastoma, susceptibility to, 3. Also called: ALK-Related Neuroblastic Tumor Susceptibility. Identifiers: Orphanet 635, MedGen C2751681, MONDO:0013083, OMIM 613014.

Submission:

Labcorp Genetics (formerly Invitae), Labcorp
Classification: Uncertain significance for Neuroblastoma, susceptibility to, 3. Last evaluated: 2025-09-30. Review status: criteria provided, single submitter. Criteria: Invitae Variant Classification Sherloc (09022015). Collection method: clinical testing. Allele origin: germline.
Comment: This sequence change replaces serine, which is neutral and polar, with asparagine, which is neutral and polar, at codon 639 of the ALK protein (p.Ser639Asn). This variant is not present in population databases (gnomAD no frequency). This variant has not been reported in the literature in individuals affected with ALK-related conditions. An algorithm developed to predict the effect of missense changes on protein structure and function outputs the following: PolyPhen-2: "Benign". The asparagine amino acid residue is found in multiple mammalian species, which suggests that this missense change does not adversely affect protein function. In summary, the available evidence is currently insufficient to determine the role of this variant in disease. Therefore, it has been classified as a Variant of Uncertain Significance.

NM_004304.5(ALK):c.1916G>A (p.Ser639Asn)

Gene: ALK (ALK receptor tyrosine kinase; minus strand). Cytogenetic location: 2p23.2.
Variant type: single nucleotide variant.
Coding change: c.1916G>A on transcript NM_004304.5 (MANE Select); coding-DNA position 1916, G replaced by A.
Protein change: p.Ser639Asn; replaces serine 639 with asparagine.
Molecular consequence: missense variant.
Genome position (GRCh38, 1-based): chr2:29,275,224, C>T on the plus strand (G>A on the coding strand, the complement: ALK is on the minus strand). VCF-style: chr2-29275224-C-T. GRCh37 (hg19) VCF-style: chr2-29498090-C-T.
Other names: short protein forms S639N.
Identifiers: ClinVar variation 4712009 (VCV004712009.1).
Genomic context (GRCh38, chr2:29,275,224, plus strand): 5'-TTTCTCTCAAACAGGTTTCTTGATTTGGGTGCTGTATTCTGCAGGATCTTGTCCTCTCCG[C>T]TAACTGCAATAGAGAAGACCCCACGGGCTGAGTTAGGTGAGGGTTGATTTCAGGGTGAGA-3'
Protein context (NP_004295.2, residues 629-649): SISLDCYLTI[Ser639Asn]GEDKILQNTA